The following is an entry in ClinVar:

ClinVar aggregate classification (germline): Likely benign. Review status: criteria provided, multiple submitters, no conflicts (2 of 4 stars). 5 submissions from 5 submitters: Likely benign (4). 1 of the submissions does not count toward it. Last evaluated 2026-02-01.

Conditions:
Autosomal recessive osteopetrosis 1. Also called: TCIRG1-Related Osteopetrosis; ALBERS-SCHONBERG DISEASE, AUTOSOMAL RECESSIVE; TCIRG1-Related Autosomal Recessive Osteopetrosis. Identifiers: Orphanet 667, MedGen C1850127, MONDO:0009815, OMIM 259700.

Allele frequency attached by ClinVar (database versions not stated): ESP Exome Variant Server 0.00015; 1000 Genomes Project 30x 0.00031; ExAC 0.00037; gnomAD 0.00037 and 0.00040; gnomAD exomes 0.00038 and 0.00067; 1000 Genomes Project 0.00040; TOPMed 0.00045.
gnomAD v4.1: 1,017 of 1,613,742 alleles (0.063%); highest among the groups gnomAD compares: Non-Finnish European, 0.079%; 2 homozygotes.

Submissions (5):

Labcorp Genetics (formerly Invitae), Labcorp
Classification: Likely benign. Last evaluated: 2026-02-01. Review status: criteria provided, single submitter. Criteria: Invitae Variant Classification Sherloc (09022015). Collection method: clinical testing. Allele origin: germline.

CeGaT Center for Human Genetics Tuebingen
Classification: Likely benign. Last evaluated: 2025-03-01. Review status: criteria provided, single submitter. Criteria: CeGaT Center For Human Genetics Tuebingen Variant Classification Criteria Version 2. Collection method: clinical testing. Allele origin: germline. Affected: yes. Observed: 1 variant allele.
Comment: TCIRG1: BP4, BP7

Blueprint Genetics
Classification: Likely benign. Last evaluated: 2024-11-19. Review status: criteria provided, single submitter. Criteria: ACMG Guidelines, 2015. Collection method: clinical testing. Allele origin: germline.

Women's Health and Genetics/Laboratory Corporation of America, LabCorp
Classification: Likely benign. Last evaluated: 2024-11-04. Review status: criteria provided, single submitter. Criteria: LabCorp Variant Classification Summary - May 2015. Collection method: clinical testing. Allele origin: germline.

Natera, Inc.
Classification: Likely benign for Infantile malignant osteopetrosis. Last evaluated: 2020-05-20. Review status: no assertion criteria provided. Collection method: clinical testing. Allele origin: germline. Not counted in ClinVar's aggregate classification.

NM_006019.4(TCIRG1):c.1296G>A (p.Ala432=)

Gene: TCIRG1 (T cell immune regulator 1, ATPase H+ transporting V0 subunit a3; plus strand). Cytogenetic location: 11q13.2.
Variant type: single nucleotide variant.
Coding change: c.1296G>A on transcript NM_006019.4 (MANE Select); coding-DNA position 1296, G replaced by A.
Protein change: p.Ala432=; no amino-acid change (alanine 432 retained).
Molecular consequence: synonymous variant.
Genome position (GRCh38, 1-based): chr11:68,047,563, G>A. VCF-style: chr11-68047563-G-A. GRCh37 (hg19) VCF-style: chr11-67815030-G-A.
Other names: c.402G>A, p.Ala134= (NM_001351059.2); c.648G>A, p.Ala216= (NM_006053.4).
Identifiers: ClinVar variation 730744 (VCV000730744.21), dbSNP rs200900947, ClinGen allele CA6147050.
Genomic context (GRCh38, chr11:68,047,563, plus strand): 5'-CATGTTCCTGTTCGCCCTGGCCATGGTCCTTGCGGAGAACCGACCGGCTGTGAAGGCCGC[G>A]CAGAACGAGGTGAGGGGCGGGGCTGGGGTCCTGATGAGGGTAGCAGGGCCAGGCAGCCCC-3'
Protein context (NP_006010.2, residues 422-442): LAENRPAVKA[Ala432=]QNEIWQTFFR